The following is an entry in ClinVar:

ClinVar aggregate classification (germline): Uncertain significance (1 of 4 stars; one submission).

gnomAD v4.1: 159 of 1,614,146 alleles (0.0099%); highest among the groups gnomAD compares: African/African-American, 0.18%; no homozygotes.

Submission:

Dasa
Classification: Uncertain significance. Last evaluated: 2025-03-31. Review status: criteria provided, single submitter. Criteria: DASA Assertion Criteria. Collection method: clinical testing. Allele origin: germline.
Comment: NM_000932.5(PLCB3):c.505C>T (p.Arg169Trp) is a missense variant that results in the substitution of arginine with tryptophan. This variant is rare in population databases. Computational prediction algorithms are consistent with a benign effect. The currently available literature and clinical evidence are not sufficient to establish a definitive association between this variant and the reported condition. Therefore, this variant is classified as a variant of uncertain significance.

NM_000932.5(PLCB3):c.505C>T (p.Arg169Trp)

Gene: PLCB3 (phospholipase C beta 3; plus strand). Cytogenetic location: 11q13.1.
Variant type: single nucleotide variant.
Coding change: c.505C>T on transcript NM_000932.5 (MANE Select); coding-DNA position 505, C replaced by T.
Protein change: p.Arg169Trp; replaces arginine 169 with tryptophan.
Molecular consequence: missense variant.
Genome position (GRCh38, 1-based): chr11:64,255,433, C>T. VCF-style: chr11-64255433-C-T. GRCh37 (hg19) VCF-style: chr11-64022905-C-T.
Other names: c.304C>T, p.Arg102Trp (NM_001184883.2); c.505C>T, p.Arg169Trp (NM_001316314.3); short protein forms R102W, R169W.
Identifiers: ClinVar variation 4885667 (VCV004885667.2).